The following is an entry in ClinVar:

NM_152703.5(SAMD9L):c.3281T>C (p.Ile1094Thr)

Gene: SAMD9L (sterile alpha motif domain containing 9 like; minus strand). Cytogenetic location: 7q21.2.
Variant type: single nucleotide variant.
Coding change: c.3281T>C on transcript NM_152703.5 (MANE Select); coding-DNA position 3281, T replaced by C.
Protein change: p.Ile1094Thr; replaces isoleucine 1094 with threonine.
Molecular consequence: missense variant.
Genome position (GRCh38, 1-based): chr7:93,132,691, A>G on the plus strand (T>C on the coding strand, the complement: SAMD9L is on the minus strand). VCF-style: chr7-93132691-A-G. GRCh37 (hg19) VCF-style: chr7-92762004-A-G.
Other names: c.3281T>C, p.Ile1094Thr (NM_001303496.3, NM_001303497.3, NM_001303498.3 and 5 more transcripts); short protein forms I1094T.
Identifiers: ClinVar variation 2713996 (VCV002713996.3), dbSNP rs763913791, ClinGen allele CA4343473.

ClinVar aggregate classification (germline): Uncertain significance (1 of 4 stars; one submission).

Allele frequency attached by ClinVar (database versions not stated): gnomAD exomes below 0.00001; TOPMed below 0.00001; ExAC 0.00001.

Submission:

Labcorp Genetics (formerly Invitae), Labcorp
Classification: Uncertain significance. Last evaluated: 2025-05-27. Review status: criteria provided, single submitter. Criteria: Invitae Variant Classification Sherloc (09022015). Collection method: clinical testing. Allele origin: germline.
Comment: This sequence change replaces isoleucine, which is neutral and non-polar, with threonine, which is neutral and polar, at codon 1094 of the SAMD9L protein (p.Ile1094Thr). The frequency data for this variant in the population databases is considered unreliable, as metrics indicate poor data quality at this position in the gnomAD database. This variant has not been reported in the literature in individuals affected with SAMD9L-related conditions. ClinVar contains an entry for this variant (Variation ID: 2713996). Invitae Evidence Modeling of protein sequence and biophysical properties (such as structural, functional, and spatial information, amino acid conservation, physicochemical variation, residue mobility, and thermodynamic stability) indicates that this missense variant is not expected to disrupt SAMD9L protein function with a negative predictive value of 80%. In summary, the available evidence is currently insufficient to determine the role of this variant in disease. Therefore, it has been classified as a Variant of Uncertain Significance.